The following is an entry in ClinVar:

ClinVar aggregate classification (germline): Uncertain significance (1 of 4 stars; one submission).

Conditions:
Juvenile polyposis syndrome (JPS). Identifiers: Orphanet 2929, MedGen C0345893, MONDO:0017380, OMIM 174900.

Submission:

Labcorp Genetics (formerly Invitae), Labcorp
Classification: Uncertain significance for Juvenile polyposis syndrome. Last evaluated: 2025-09-30. Review status: criteria provided, single submitter. Criteria: Invitae Variant Classification Sherloc (09022015). Collection method: clinical testing. Allele origin: germline.
Comment: This sequence change replaces cysteine, which is neutral and slightly polar, with serine, which is neutral and polar, at codon 67 of the BMPR1A protein (p.Cys67Ser). This variant is not present in population databases (gnomAD no frequency). This variant has not been reported in the literature in individuals affected with BMPR1A-related conditions. Invitae Evidence Modeling of protein sequence and biophysical properties (such as structural, functional, and spatial information, amino acid conservation, physicochemical variation, residue mobility, and thermodynamic stability) has been performed for this missense variant. However, the output from this modeling did not meet the statistical confidence thresholds required to predict the impact of this variant on BMPR1A protein function. In summary, the available evidence is currently insufficient to determine the role of this variant in disease. Therefore, it has been classified as a Variant of Uncertain Significance.

NM_004329.3(BMPR1A):c.200G>C (p.Cys67Ser)

Gene: BMPR1A (bone morphogenetic protein receptor type 1A; plus strand). Cytogenetic location: 10q23.2.
Variant type: single nucleotide variant.
Coding change: c.200G>C on transcript NM_004329.3 (MANE Select); coding-DNA position 200, G replaced by C.
Protein change: p.Cys67Ser; replaces cysteine 67 with serine.
Molecular consequence: missense variant. On other transcripts: non-coding transcript variant (3).
Genome position (GRCh38, 1-based): chr10:86,890,194, G>C. VCF-style: chr10-86890194-G-C. GRCh37 (hg19) VCF-style: chr10-88649951-G-C.
Other names: c.200G>C, p.Cys67Ser (NM_001406559.1, NM_001406560.1, NM_001406561.1 and 23 more transcripts); c.116G>C, p.Cys39Ser (NM_001406584.1, NM_001406585.1, NM_001406586.1 and 2 more transcripts); short protein forms C39S, C67S.
Identifiers: ClinVar variation 4717723 (VCV004717723.1).